The following is an entry in ClinVar:

ClinVar aggregate classification (germline): Benign. Review status: criteria provided, multiple submitters, no conflicts (2 of 4 stars). 6 submissions from 6 submitters: Benign (5). 1 of the submissions does not count toward it. Last evaluated 2026-02-03.

Conditions:
Paroxysmal nonkinesigenic dyskinesia. Also called: Paroxysmal non-kinesigenic dyskinesia. Identifiers: Orphanet 98810, MedGen C1869117, MONDO:0700088.
Paroxysmal nonkinesigenic dyskinesia 1 (PNKD1). Also called: Nonkinesigenic choreoathetosis; Familial paroxysmal choreoathetosis; DYSTONIA 8; Familial Paroxysmal Nonkinesigenic Dyskinesia; MOUNT-REBACK SYNDROME; PxMD-PNKD. Identifiers: Orphanet 98810, MedGen C4551506, MONDO:0700089, OMIM 118800, MONDO:0007326.

Allele frequency attached by ClinVar (database versions not stated): TOPMed 0.01636; ESP Exome Variant Server 0.01845; gnomAD 0.02221; 1000 Genomes Project 0.00559; 1000 Genomes Project 30x 0.00625.
gnomAD v4.1: 37,141 of 1,613,408 alleles (2.3%); highest among the groups gnomAD compares: Non-Finnish European, 2.8%; 522 homozygotes.

Submissions (6):

Labcorp Genetics (formerly Invitae), Labcorp
Classification: Benign for Paroxysmal nonkinesigenic dyskinesia. Last evaluated: 2026-02-03. Review status: criteria provided, single submitter. Criteria: Invitae Variant Classification Sherloc (09022015). Collection method: clinical testing. Allele origin: germline.

GeneDx
Classification: Benign. Last evaluated: 2018-12-11. Review status: criteria provided, single submitter. Criteria: GeneDx Variant Classification Process June 2021. Collection method: clinical testing. Allele origin: germline. Affected: yes.

Illumina Laboratory Services, Illumina
Classification: Benign for Paroxysmal nonkinesigenic dyskinesia 1. Last evaluated: 2018-01-13. Review status: criteria provided, single submitter. Criteria: ICSL Variant Classification Criteria 13 December 2019. Collection method: clinical testing. Allele origin: germline.
Comment: This variant was observed in the ICSL laboratory as part of a predisposition screen in an ostensibly healthy population. It had not been previously curated by ICSL or reported in the Human Gene Mutation Database (HGMD: prior to June 1st, 2018), and was therefore a candidate for classification through an automated scoring system. Utilizing variant allele frequency, disease prevalence and penetrance estimates, and inheritance mode, an automated score was calculated to assess if this variant is too frequent to cause the disease. Based on the score and internal cut-off values, a variant classified as benign is not then subjected to further curation. The score for this variant resulted in a classification of benign for this disease.

Athena Diagnostics
Classification: Benign for Paroxysmal nonkinesigenic dyskinesia 1. Last evaluated: 2017-06-09. Review status: criteria provided, single submitter. Criteria: Athena Diagnostics Criteria. Collection method: clinical testing. Allele origin: germline.

Breakthrough Genomics
Classification: Benign. Review status: criteria provided, single submitter. Criteria: ACMG Guidelines, 2015. Collection method: not provided. Allele origin: germline. Inheritance: Autosomal dominant inheritance. Affected: yes.

Mayo Clinic Laboratories, Mayo Clinic
Classification: Benign. Last evaluated: 2016-02-29. Review status: no assertion criteria provided. Collection method: clinical testing. Allele origin: unknown. Not counted in ClinVar's aggregate classification.

NM_015488.5(PNKD):c.652C>A (p.Arg218=)

Genes: CATIP-AS2 (CATIP antisense RNA 2; minus strand), PNKD (PNKD metallo-beta-lactamase domain containing; plus strand). Cytogenetic location: 2q35.
Variant type: single nucleotide variant.
Coding change: c.652C>A on transcript NM_015488.5 (MANE Select); coding-DNA position 652, C replaced by A.
Protein change: p.Arg218=; no amino-acid change (arginine 218 retained).
Molecular consequence: synonymous variant.
Genome position (GRCh38, 1-based): chr2:218,342,015, C>A. VCF-style: chr2-218342015-C-A. GRCh37 (hg19) VCF-style: chr2-219206738-C-A.
Other names: c.580C>A, p.Arg194= (NM_022572.5).
Identifiers: ClinVar variation 334323 (VCV000334323.21), dbSNP rs34745867, ClinGen allele CA2104054.